The following is an entry in ClinVar:

ClinVar aggregate classification (germline): Uncertain significance. Review status: criteria provided, multiple submitters, no conflicts (2 of 4 stars). 2 submissions from 2 submitters: Uncertain significance (2). Last evaluated 2025-09-05.

Conditions:
Inborn genetic diseases. Identifiers: MedGen C0950123, MeSH D030342.
Vici syndrome (VICIS). Identifiers: Orphanet 1493, MedGen C1855772, MONDO:0009452, OMIM 242840.

Allele frequency attached by ClinVar (database versions not stated): TOPMed below 0.00001.

Submissions (2):

Ambry Genetics
Classification: Uncertain significance for Inborn genetic diseases. Last evaluated: 2025-09-05. Review status: criteria provided, single submitter. Criteria: Ambry Variant Classification Scheme 2023. Collection method: clinical testing. Allele origin: germline.

Labcorp Genetics (formerly Invitae), Labcorp
Classification: Uncertain significance for Vici syndrome. Last evaluated: 2023-08-10. Review status: criteria provided, single submitter. Criteria: Invitae Variant Classification Sherloc (09022015). Collection method: clinical testing. Allele origin: germline.
Comment: This variant is not present in population databases (gnomAD no frequency). This variant has not been reported in the literature in individuals affected with EPG5-related conditions. ClinVar contains an entry for this variant (Variation ID: 2155261). Advanced modeling of protein sequence and biophysical properties (such as structural, functional, and spatial information, amino acid conservation, physicochemical variation, residue mobility, and thermodynamic stability) performed at Invitae indicates that this missense variant is not expected to disrupt EPG5 protein function. In summary, the available evidence is currently insufficient to determine the role of this variant in disease. Therefore, it has been classified as a Variant of Uncertain Significance. This sequence change replaces serine, which is neutral and polar, with threonine, which is neutral and polar, at codon 1377 of the EPG5 protein (p.Ser1377Thr).

NM_020964.3(EPG5):c.4130G>C (p.Ser1377Thr)

Gene: EPG5 (ectopic P-granules 5 autophagy tethering factor; minus strand). Cytogenetic location: 18q21.1.
Variant type: single nucleotide variant.
Coding change: c.4130G>C on transcript NM_020964.3 (MANE Select); coding-DNA position 4130, G replaced by C.
Protein change: p.Ser1377Thr; replaces serine 1377 with threonine.
Molecular consequence: missense variant.
Genome position (GRCh38, 1-based): chr18:45,910,596, C>G on the plus strand (G>C on the coding strand, the complement: EPG5 is on the minus strand). VCF-style: chr18-45910596-C-G. GRCh37 (hg19) VCF-style: chr18-43490561-C-G.
Other names: c.4130G>C, p.Ser1377Thr (NM_001410858.1, NM_001410859.1); c.4130G>C (NM_020964.2); short protein forms S1377T.
Identifiers: ClinVar variation 2155261 (VCV002155261.5), dbSNP rs1445842010, ClinGen allele CA402340007.